The following is an entry in ClinVar:

NM_057175.5(NAA15):c.2351T>C (p.Ile784Thr)

Gene: NAA15 (N-alpha-acetyltransferase 15, NatA auxiliary subunit; plus strand). Cytogenetic location: 4q31.1.
Variant type: single nucleotide variant.
Coding change: c.2351T>C on transcript NM_057175.5 (MANE Select); coding-DNA position 2351, T replaced by C.
Protein change: p.Ile784Thr; replaces isoleucine 784 with threonine.
Molecular consequence: missense variant.
Genome position (GRCh38, 1-based): chr4:139,386,181, T>C. VCF-style: chr4-139386181-T-C. GRCh37 (hg19) VCF-style: chr4-140307335-T-C.
Other names: short protein forms I784T.
Identifiers: ClinVar variation 1477515 (VCV001477515.6), dbSNP rs764831321, ClinGen allele CA3083827.

ClinVar aggregate classification (germline): Uncertain significance (1 of 4 stars; one submission).

Allele frequency attached by ClinVar (database versions not stated): gnomAD 0.00001; ExAC 0.00002; gnomAD exomes 0.00002; TOPMed 0.00002.
gnomAD v4.1: 11 of 1,611,460 alleles (0.00068%); highest among the groups gnomAD compares: Admixed American, 0.015%; no homozygotes.

Submission:

Labcorp Genetics (formerly Invitae), Labcorp
Classification: Uncertain significance. Last evaluated: 2024-11-21. Review status: criteria provided, single submitter. Criteria: Invitae Variant Classification Sherloc (09022015). Collection method: clinical testing. Allele origin: germline.
Comment: This sequence change replaces isoleucine, which is neutral and non-polar, with threonine, which is neutral and polar, at codon 784 of the NAA15 protein (p.Ile784Thr). This variant is present in population databases (rs764831321, gnomAD 0.02%). This variant has not been reported in the literature in individuals affected with NAA15-related conditions. ClinVar contains an entry for this variant (Variation ID: 1477515). An algorithm developed to predict the effect of missense changes on protein structure and function (PolyPhen-2) suggests that this variant is likely to be tolerated. In summary, the available evidence is currently insufficient to determine the role of this variant in disease. Therefore, it has been classified as a Variant of Uncertain Significance.